The following is an entry in ClinVar:

ClinVar aggregate classification (germline): Likely pathogenic (1 of 4 stars; one submission).

Submission:

CeGaT Center for Human Genetics Tuebingen
Classification: Likely pathogenic. Last evaluated: 2025-04-01. Review status: criteria provided, single submitter. Criteria: CeGaT Center For Human Genetics Tuebingen Variant Classification Criteria Version 2. Collection method: clinical testing. Allele origin: germline. Affected: yes. Observed: 1 variant allele.
Comment: BRCA2: PVS1:Strong, PM2

NM_000059.4(BRCA2):c.7976+1del

Gene: BRCA2 (BRCA2 DNA repair associated; plus strand). Cytogenetic location: 13q13.1.
Variant type: Deletion.
Coding change: c.7976+1del on transcript NM_000059.4 (MANE Select); the canonical splice donor site of the intron after coding-DNA position 7976, one base deleted (G; older notation c.7976+1delG).
Molecular consequence: splice donor variant.
Genome position (GRCh38, 1-based): chr13:32,362,694, G deleted; the last of 2 consecutive G bases (chr13:32,362,693-32,362,694); deleting either gives the same sequence. VCF-style (leftmost placement, unchanged base first): chr13-32362692-AG-A. GRCh37 (hg19) VCF-style: chr13-32936829-AG-A.
Other names: c.7976+1del (NM_001432077.1, NM_001406720.1); c.7880+1del (NM_001406719.1); c.3044+1del (NM_001406721.1); c.1559+1del (NM_001406722.1).
Identifiers: ClinVar variation 3898742 (VCV003898742.7).